The following is an entry in ClinVar:

ClinVar aggregate classification (germline): Uncertain significance (1 of 4 stars; one submission).

Submission:

CeGaT Center for Human Genetics Tuebingen
Classification: Uncertain significance. Last evaluated: 2025-05-01. Review status: criteria provided, single submitter. Criteria: CeGaT Center For Human Genetics Tuebingen Variant Classification Criteria Version 2. Collection method: clinical testing. Allele origin: germline. Affected: yes. Observed: 1 variant allele.
Comment: CALM3: PM2

NM_005184.4(CALM3):c.3+774G>C

Gene: CALM3 (calmodulin 3; plus strand). Cytogenetic location: 19q13.32.
Variant type: single nucleotide variant.
Coding change: c.3+774G>C on transcript NM_005184.4 (MANE Select); 774 bases into the intron after coding-DNA position 3, G replaced by C.
Molecular consequence: intron variant. On other transcripts: splice donor variant (1).
Genome position (GRCh38, 1-based): chr19:46,602,211, G>C. VCF-style: chr19-46602211-G-C. GRCh37 (hg19) VCF-style: chr19-47105468-G-C.
Other names: c.-106+1035G>C (NM_001329921.1); c.-104+774G>C (NM_001329924.2); c.-98+774G>C (NM_001329926.2); c.-75+774G>C (NM_001329925.2); c.-149+121G>C (NM_001329923.1); c.3+1G>C (NM_001329922.1).
Identifiers: ClinVar variation 3905898 (VCV003905898.10).
Genomic context (GRCh38, chr19:46,602,211, plus strand): 5'-ACTCTTGAAGGCTTCCGGGACGGAGAAGGATCAGGGTCGTGGAGGTGGTGAAAAGGGATG[G>C]TGAGAGTGGGGCTCGCCAGTAGTCGGGGGACAGGGACCCTTGGGGTTAATTTGGAAGTAG-3'